The following is an entry in ClinVar:

ClinVar aggregate classification (germline): Uncertain significance (1 of 4 stars; one submission).

gnomAD v4.1: 1 of 1,614,216 alleles (0.000062%); highest among the groups gnomAD compares: Admixed American, 0.0017%; no homozygotes.

Submission:

Labcorp Genetics (formerly Invitae), Labcorp
Classification: Uncertain significance. Last evaluated: 2023-04-19. Review status: criteria provided, single submitter. Criteria: Invitae Variant Classification Sherloc (09022015). Collection method: clinical testing. Allele origin: germline.
Comment: This sequence change replaces glycine, which is neutral and non-polar, with arginine, which is basic and polar, at codon 213 of the ASAH1 protein (p.Gly213Arg). In summary, the available evidence is currently insufficient to determine the role of this variant in disease. Therefore, it has been classified as a Variant of Uncertain Significance. Advanced modeling of protein sequence and biophysical properties (such as structural, functional, and spatial information, amino acid conservation, physicochemical variation, residue mobility, and thermodynamic stability) performed at Invitae indicates that this missense variant is expected to disrupt ASAH1 protein function. ClinVar contains an entry for this variant (Variation ID: 2012238). This variant has not been reported in the literature in individuals affected with ASAH1-related conditions. This variant is present in population databases (no rsID available, gnomAD 0.003%).

NM_177924.5(ASAH1):c.637G>C (p.Gly213Arg)

Gene: ASAH1 (N-acylsphingosine amidohydrolase 1; minus strand). Cytogenetic location: 8p22.
Variant type: single nucleotide variant.
Coding change: c.637G>C on transcript NM_177924.5 (MANE Select); coding-DNA position 637, G replaced by C.
Protein change: p.Gly213Arg; replaces glycine 213 with arginine.
Molecular consequence: missense variant.
Genome position (GRCh38, 1-based): chr8:18,062,290, C>G on the plus strand (G>C on the coding strand, the complement: ASAH1 is on the minus strand). VCF-style: chr8-18062290-C-G. GRCh37 (hg19) VCF-style: chr8-17919799-C-G.
Other names: c.619G>C, p.Gly207Arg (NM_001127505.3); c.442G>C, p.Gly148Arg (NM_001363743.2); c.685G>C, p.Gly229Arg (NM_004315.6); short protein forms G207R, G213R, G148R, G229R.
Identifiers: ClinVar variation 2012238 (VCV002012238.4), dbSNP rs1190139418, ClinGen allele CA370429836.